The following is an entry in ClinVar:

ClinVar aggregate classification (germline): Conflicting classifications of pathogenicity. Review status: criteria provided, conflicting classifications (1 of 4 stars). 2 submissions from 2 submitters: Uncertain significance (1); Likely benign (1). Last evaluated 2024-09-25.

gnomAD v4.1: 163 of 1,613,898 alleles (0.01%); highest among the groups gnomAD compares: South Asian, 0.16%; 2 homozygotes.

Submissions (2):

Labcorp Genetics (formerly Invitae), Labcorp
Classification: Uncertain significance. Last evaluated: 2024-09-25. Review status: criteria provided, single submitter. Criteria: Invitae Variant Classification Sherloc (09022015). Collection method: clinical testing. Allele origin: germline.
Comment: This sequence change replaces proline, which is neutral and non-polar, with leucine, which is neutral and non-polar, at codon 495 of the NYNRIN protein (p.Pro495Leu). This variant is present in population databases (rs367907615, gnomAD 0.2%), and has an allele count higher than expected for a pathogenic variant. This variant has not been reported in the literature in individuals affected with NYNRIN-related conditions. ClinVar contains an entry for this variant (Variation ID: 2537209). Experimental studies and prediction algorithms are not available or were not evaluated, and the functional significance of this variant is currently unknown. In summary, the available evidence is currently insufficient to determine the role of this variant in disease. Therefore, it has been classified as a Variant of Uncertain Significance.

Ambry Genetics
Classification: Likely benign. Last evaluated: 2023-04-19. Review status: criteria provided, single submitter. Criteria: Ambry Variant Classification Scheme 2023. Collection method: clinical testing. Allele origin: germline.

NM_025081.3(NYNRIN):c.1484C>T (p.Pro495Leu)

Gene: NYNRIN (NYN domain and retroviral integrase containing; plus strand). Cytogenetic location: 14q12.
Variant type: single nucleotide variant.
Coding change: c.1484C>T on transcript NM_025081.3 (MANE Select); coding-DNA position 1484, C replaced by T.
Protein change: p.Pro495Leu; replaces proline 495 with leucine.
Molecular consequence: missense variant.
Genome position (GRCh38, 1-based): chr14:24,409,278, C>T. VCF-style: chr14-24409278-C-T. GRCh37 (hg19) VCF-style: chr14-24878484-C-T.
Other names: short protein forms P495L.
Identifiers: ClinVar variation 2537209 (VCV002537209.4), dbSNP rs367907615, ClinGen allele CA7136799.